The following is an entry in ClinVar:

NM_201384.3(PLEC):c.10039G>T (p.Val3347Leu)

Gene: PLEC (plectin; minus strand). Cytogenetic location: 8q24.3.
Variant type: single nucleotide variant.
Coding change: c.10039G>T on transcript NM_201384.3 (MANE Select); coding-DNA position 10039, G replaced by T.
Protein change: p.Val3347Leu; replaces valine 3347 with leucine.
Molecular consequence: missense variant.
Genome position (GRCh38, 1-based): chr8:143,919,782, C>A on the plus strand (G>T on the coding strand, the complement: PLEC is on the minus strand). VCF-style: chr8-143919782-C-A. GRCh37 (hg19) VCF-style: chr8-144993950-C-A.
Other names: c.10120G>T, p.Val3374Leu (NM_000445.5); c.9997G>T, p.Val3333Leu (NM_201378.4); c.9973G>T, p.Val3325Leu (NM_201379.3); c.10450G>T, p.Val3484Leu (NM_201380.4); c.9943G>T, p.Val3315Leu (NM_201381.3); c.10039G>T, p.Val3347Leu (NM_201382.4); c.10051G>T, p.Val3351Leu (NM_201383.3); short protein forms V3333L, V3347L, V3374L, V3351L, V3315L, V3325L, V3484L.
Identifiers: ClinVar variation 1040137 (VCV001040137.9), dbSNP rs782748769, ClinGen allele CA4924778.
Genomic context (GRCh38, chr8:143,919,782, plus strand): 5'-CCTTGGTGTCCTCCAGGTAGATGCCGGCGAGGCAGCCACTGCCCTGCAGCAGCGTCCGCA[C>A]GGAGCCCAGCTCCGAAAGGTCCTTGACCGTCGTCTTGCCGTCCTTGAGCTGCTCAAACTG-3'
Protein context (NP_958786.1, residues 3337-3357): TVKDLSELGS[Val3347Leu]RTLLQGSGCL

ClinVar aggregate classification (germline): Uncertain significance (1 of 4 stars; one submission).

Conditions:
Epidermolysis bullosa simplex 5B, with muscular dystrophy (EBS5B). Also called: EPIDERMOLYSIS BULLOSA SIMPLEX AND LIMB-GIRDLE MUSCULAR DYSTROPHY; Epidermolysis bullosa simplex with muscular dystrophy. Identifiers: Orphanet 257, MedGen C2931072, MONDO:0009181, OMIM 226670.
Epidermolysis bullosa simplex 5C, with pyloric atresia (EBS5C). Also called: Epidermolysis bullosa simplex with pyloric atresia; PLEC-Related Epidermolysis Bullosa with Pyloric Atresia; PLEC1-Related Epidermolysis Bullosa with Pyloric Atresia. Identifiers: Orphanet 158684, MedGen C2677349, MONDO:0012807, OMIM 612138.
Autosomal recessive limb-girdle muscular dystrophy type 2Q (LGMDR17). Also called: MUSCULAR DYSTROPHY, LIMB-GIRDLE, AUTOSOMAL RECESSIVE 17. Identifiers: Orphanet 254361, MedGen C3150989, MONDO:0013390, OMIM 613723.
Epidermolysis bullosa simplex with nail dystrophy (EBS5D). Identifiers: MedGen C4225309, MONDO:0014661, OMIM 616487.
Epidermolysis bullosa simplex, Ogna type (EBS5A). Also called: Pidermolysis bullosa simplex 5A, Ogna type; EPIDERMOLYSIS BULLOSA SIMPLEX 5A, OGNA TYPE. Identifiers: Orphanet 79401, MedGen C0432317, MONDO:0007555, OMIM 131950.

gnomAD v4.1: 9 of 1,612,306 alleles (0.00056%); highest among the groups gnomAD compares: African/African-American, 0.008%; 1 homozygote.

Submission:

Labcorp Genetics (formerly Invitae), Labcorp
Classification: Uncertain significance for Autosomal recessive limb-girdle muscular dystrophy type 2Q; Epidermolysis bullosa simplex, Ogna type; Epidermolysis bullosa simplex with nail dystrophy; Epidermolysis bullosa simplex 5C, with pyloric atresia; Epidermolysis bullosa simplex 5B, with muscular dystrophy. Last evaluated: 2022-08-23. Review status: criteria provided, single submitter. Criteria: Invitae Variant Classification Sherloc (09022015). Collection method: clinical testing. Allele origin: germline.
Comment: In summary, the available evidence is currently insufficient to determine the role of this variant in disease. Therefore, it has been classified as a Variant of Uncertain Significance. Algorithms developed to predict the effect of missense changes on protein structure and function output the following: SIFT: "Deleterious"; PolyPhen-2: "Possibly Damaging"; Align-GVGD: "Class C25". The leucine amino acid residue is found in multiple mammalian species, which suggests that this missense change does not adversely affect protein function. ClinVar contains an entry for this variant (Variation ID: 1040137). This variant has not been reported in the literature in individuals affected with PLEC-related conditions. This variant is present in population databases (rs782748769, gnomAD 0.007%). This sequence change replaces valine, which is neutral and non-polar, with leucine, which is neutral and non-polar, at codon 3374 of the PLEC protein (p.Val3374Leu).